The following is an entry in ClinVar:

NM_004563.4(PCK2):c.461-2A>G

Genes: NRL (neural retina leucine zipper; minus strand), PCK2 (phosphoenolpyruvate carboxykinase 2, mitochondrial; plus strand). Cytogenetic location: 14q11.2.
Variant type: single nucleotide variant.
Coding change: c.461-2A>G on transcript NM_004563.4 (MANE Select); the canonical splice acceptor site of the intron before coding-DNA position 461, A replaced by G.
Molecular consequence: splice acceptor variant. On other transcripts: intron variant (3).
Genome position (GRCh38, 1-based): chr14:24,098,473, A>G. VCF-style: chr14-24098473-A-G. GRCh37 (hg19) VCF-style: chr14-24567682-A-G.
Other names: c.-27-15598T>C (NM_001354768.3, NM_001354770.2); c.-253-13728T>C (NM_006177.5); c.59-2A>G (NM_001308054.2, NM_001291556.2); c.461-2A>G (NM_001018073.3).
Identifiers: ClinVar variation 4885813 (VCV004885813.2).

ClinVar aggregate classification (germline): Uncertain significance (1 of 4 stars; one submission).

gnomAD v4.1: 5 of 1,613,950 alleles (0.00031%); highest among the groups gnomAD compares: Non-Finnish European, 0.00042%; no homozygotes.

Submission:

Dasa
Classification: Uncertain significance. Last evaluated: 2025-12-15. Review status: criteria provided, single submitter. Criteria: DASA Assertion Criteria. Collection method: clinical testing. Allele origin: germline.
Comment: NM_004563.4(PCK2):c.461-2A>G affects a canonical splice site and is predicted to disrupt normal RNA splicing. This variant is rare in population databases. The currently available literature and clinical evidence are not sufficient to establish a definitive association between this variant and the reported condition. Therefore, this variant is classified as a variant of uncertain significance.